The following is an entry in ClinVar:

ClinVar aggregate classification (germline): Benign/Likely benign. Review status: criteria provided, multiple submitters, no conflicts (2 of 4 stars). 3 submissions from 2 submitters: Benign (1); Likely benign (2). Last evaluated 2021-05-23.

Conditions:
Generalized epilepsy with febrile seizures plus, type 2 (GEFSP2). Also called: GEFS+, TYPE 2. Identifiers: Orphanet 36387, MedGen C1858673, MONDO:0011461, OMIM 604403.
Migraine, familial hemiplegic, 3. Identifiers: Orphanet 569, MedGen C1864987, MONDO:0012320, OMIM 609634.

Allele frequency attached by ClinVar (database versions not stated): 1000 Genomes Project 30x 0.00578; 1000 Genomes Project 0.00599; TOPMed 0.00976; gnomAD 0.01254 and 0.01291; gnomAD exomes 0.05556.
gnomAD v4.1: 1,921 of 152,428 alleles (1.3%); highest among the groups gnomAD compares: Non-Finnish European, 1.5%; 19 homozygotes.

Submissions (3):

GeneDx
Classification: Likely benign. Last evaluated: 2021-05-23. Review status: criteria provided, single submitter. Criteria: GeneDx Variant Classification Process June 2021. Collection method: clinical testing. Allele origin: germline. Affected: yes.

Illumina Laboratory Services, Illumina
Classification: Benign for Migraine, familial hemiplegic, 3. Last evaluated: 2018-01-13. Review status: criteria provided, single submitter. Criteria: ICSL Variant Classification Criteria 13 December 2019. Collection method: clinical testing. Allele origin: germline.
Comment: This variant was observed in the ICSL laboratory as part of a predisposition screen in an ostensibly healthy population. It had not been previously curated by ICSL or reported in the Human Gene Mutation Database (HGMD: prior to June 1st, 2018), and was therefore a candidate for classification through an automated scoring system. Utilizing variant allele frequency, disease prevalence and penetrance estimates, and inheritance mode, an automated score was calculated to assess if this variant is too frequent to cause the disease. Based on the score and internal cut-off values, a variant classified as benign is not then subjected to further curation. The score for this variant resulted in a classification of benign for this disease.

Illumina Laboratory Services, Illumina
Classification: Likely benign for Generalized epilepsy with febrile seizures plus, type 2. Last evaluated: 2018-01-13. Review status: criteria provided, single submitter. Criteria: ICSL Variant Classification Criteria 13 December 2019. Collection method: clinical testing. Allele origin: germline.
Comment: This variant was observed in the ICSL laboratory as part of a predisposition screen in an ostensibly healthy population. It had not been previously curated by ICSL or reported in the Human Gene Mutation Database (HGMD: prior to June 1st, 2018), and was therefore a candidate for classification through an automated scoring system. Utilizing variant allele frequency, disease prevalence and penetrance estimates, and inheritance mode, an automated score was calculated to assess if this variant is too frequent to cause the disease. Based on the score and internal cut-off values, a variant classified as likely benign is not then subjected to further curation. The score for this variant resulted in a classification of likely benign for this disease.

NM_001165963.4(SCN1A):c.*1653C>T

Genes: SCN1A (sodium voltage-gated channel alpha subunit 1; minus strand), LOC102724058 (uncharacterized LOC102724058; plus strand). Cytogenetic location: 2q24.3.
Variant type: single nucleotide variant.
Coding change: c.*1653C>T on transcript NM_001165963.4 (MANE Select); 1653 bases downstream of the stop codon, C replaced by T.
Molecular consequence: 3 prime UTR variant. On other transcripts: non-coding transcript variant (1).
Genome position (GRCh38, 1-based): chr2:165,989,592, G>A on the plus strand (C>T on the coding strand, the complement: SCN1A is on the minus strand). VCF-style: chr2-165989592-G-A. GRCh37 (hg19) VCF-style: chr2-166846102-G-A.
Other names: c.*1653C>T (NM_001165964.3, NM_001202435.3, NM_001353948.2 and 11 more transcripts).
Identifiers: ClinVar variation 331864 (VCV000331864.7), dbSNP rs79971813, ClinGen allele CA10612484.
Genomic context (GRCh38, chr2:165,989,592, plus strand): 5'-AATTTTAAACCCTTTTCCAATTGCAAAGCATAATTTGGATATGAATCGTGAACCTATTTT[G>A]CTCCTTAAAATTGTGAAATAATCTAAAATTAGCAAATGTAATTTAAAAAGCAGAAATCTA-3'